The following is an entry in ClinVar:

ClinVar aggregate classification (germline): Uncertain significance (1 of 4 stars; one submission).

Allele frequency attached by ClinVar (database versions not stated): gnomAD exomes 0.00001; ExAC 0.00001.
gnomAD v4.1: 8 of 1,614,102 alleles (0.0005%); highest among the groups gnomAD compares: South Asian, 0.0011%; no homozygotes.

Submission:

Labcorp Genetics (formerly Invitae), Labcorp
Classification: Uncertain significance. Last evaluated: 2025-10-02. Review status: criteria provided, single submitter. Criteria: Invitae Variant Classification Sherloc (09022015). Collection method: clinical testing. Allele origin: germline.
Comment: This sequence change replaces isoleucine, which is neutral and non-polar, with methionine, which is neutral and non-polar, at codon 55 of the SLC10A2 protein (p.Ile55Met). This variant is present in population databases (rs751715982, gnomAD 0.006%). This variant has not been reported in the literature in individuals affected with SLC10A2-related conditions. ClinVar contains an entry for this variant (Variation ID: 2794974). Invitae Evidence Modeling of protein sequence and biophysical properties (such as structural, functional, and spatial information, amino acid conservation, physicochemical variation, residue mobility, and thermodynamic stability) indicates that this missense variant is not expected to disrupt SLC10A2 protein function with a negative predictive value of 80%. In summary, the available evidence is currently insufficient to determine the role of this variant in disease. Therefore, it has been classified as a Variant of Uncertain Significance.

NM_000452.3(SLC10A2):c.165C>G (p.Ile55Met)

Gene: SLC10A2 (solute carrier family 10 member 2; minus strand). Cytogenetic location: 13q33.1.
Variant type: single nucleotide variant.
Coding change: c.165C>G on transcript NM_000452.3 (MANE Select); coding-DNA position 165, C replaced by G.
Protein change: p.Ile55Met; replaces isoleucine 55 with methionine.
Molecular consequence: missense variant.
Genome position (GRCh38, 1-based): chr13:103,066,085, G>C on the plus strand (C>G on the coding strand, the complement: SLC10A2 is on the minus strand). VCF-style: chr13-103066085-G-C. GRCh37 (hg19) VCF-style: chr13-103718435-G-C.
Other names: short protein forms I55M.
Identifiers: ClinVar variation 2794974 (VCV002794974.3), dbSNP rs751715982, ClinGen allele CA7042325.